The following is an entry in ClinVar:

ClinVar aggregate classification (germline): Uncertain significance (1 of 4 stars; one submission).

Conditions:
Hyperekplexia 3 (HKPX3). Also called: HYPEREKPLEXIA 3, AUTOSOMAL RECESSIVE; HYPEREKPLEXIA 3, AUTOSOMAL DOMINANT. Identifiers: Orphanet 3197, MedGen C3553288, MONDO:0013827, OMIM 614618.

Allele frequency attached by ClinVar (database versions not stated): gnomAD exomes below 0.00001; gnomAD 0.00001; TOPMed 0.00001.
gnomAD v4.1: 3 of 1,613,222 alleles (0.00019%); highest among the groups gnomAD compares: African/African-American, 0.0027%; no homozygotes.

Submission:

Labcorp Genetics (formerly Invitae), Labcorp
Classification: Uncertain significance for Hyperekplexia 3. Last evaluated: 2022-07-12. Review status: criteria provided, single submitter. Criteria: Invitae Variant Classification Sherloc (09022015). Collection method: clinical testing. Allele origin: germline.
Comment: This sequence change replaces isoleucine, which is neutral and non-polar, with threonine, which is neutral and polar, at codon 615 of the SLC6A5 protein (p.Ile615Thr). This variant is present in population databases (no rsID available, gnomAD 0.007%). This variant has not been reported in the literature in individuals affected with SLC6A5-related conditions. Advanced modeling of protein sequence and biophysical properties (such as structural, functional, and spatial information, amino acid conservation, physicochemical variation, residue mobility, and thermodynamic stability) performed at Invitae indicates that this missense variant is not expected to disrupt SLC6A5 protein function. In summary, the available evidence is currently insufficient to determine the role of this variant in disease. Therefore, it has been classified as a Variant of Uncertain Significance.

NM_004211.5(SLC6A5):c.1844T>C (p.Ile615Thr)

Gene: SLC6A5 (solute carrier family 6 member 5; plus strand). Cytogenetic location: 11p15.1.
Variant type: single nucleotide variant.
Coding change: c.1844T>C on transcript NM_004211.5 (MANE Select); coding-DNA position 1844, T replaced by C.
Protein change: p.Ile615Thr; replaces isoleucine 615 with threonine.
Molecular consequence: missense variant.
Genome position (GRCh38, 1-based): chr11:20,637,278, T>C. VCF-style: chr11-20637278-T-C. GRCh37 (hg19) VCF-style: chr11-20658824-T-C.
Other names: c.1142T>C, p.Ile381Thr (NM_001318369.2); short protein forms I615T, I381T.
Identifiers: ClinVar variation 2185182 (VCV002185182.4), dbSNP rs1279300118, ClinGen allele CA379918299.